The following is an entry in ClinVar:

NM_175914.5(HNF4A):c.50-4560G>T

Gene: HNF4A (hepatocyte nuclear factor 4 alpha; plus strand). Cytogenetic location: 20q13.12.
Variant type: single nucleotide variant.
Coding change: c.50-4560G>T on transcript NM_175914.5 (MANE Select); 4560 bases into the intron before coding-DNA position 50, G replaced by T.
Molecular consequence: intron variant.
Genome position (GRCh38, 1-based): chr20:44,401,498, G>T. VCF-style: chr20-44401498-G-T. GRCh37 (hg19) VCF-style: chr20-43030138-G-T.
Other names: c.41-4560G>T (NM_001287182.2, NM_001287183.2, NM_001287184.2); c.50-4560G>T (NM_001030003.3, NM_001030004.3); c.3+11G>T (NM_001258355.2); c.115+11G>T (NM_178849.3, NM_000457.6, NM_178850.3).
Identifiers: ClinVar variation 2442326 (VCV002442326.1), dbSNP rs1254732171, ClinGen allele CA744743397.

ClinVar aggregate classification (germline): Uncertain significance (1 of 4 stars; one submission).

Conditions:
Maturity-onset diabetes of the young (MODY). Also called: Maturity onset diabetes mellitus in young. Identifiers: Orphanet 552, MedGen C0342276, MONDO:0018911, HP:0004904.

Allele frequency attached by ClinVar (database versions not stated): TOPMed below 0.00001; gnomAD 0.00001.
gnomAD v4.1: 1 of 1,614,054 alleles (0.000062%); highest among the groups gnomAD compares: East Asian, 0.0022%; no homozygotes.

Submission:

Clinical Genomics, Uppaluri K&H Personalized Medicine Clinic
Classification: Uncertain significance for Maturity-onset diabetes of the young. Review status: criteria provided, single submitter. Criteria: K & H Uppaluri Personalized Medicine Clinic Variant Classification & Assertion Criteria_Updated V.1. Collection method: research. Allele origin: unknown. Inheritance: Autosomal dominant inheritance.
Comment: Potent mutations in HNF4A are associated with poor insulin secretion in response to hyperglycemia. Associated with MODY1. Patients initially respond well to sulfonylureas but eventually become insulin dependent. However, more evidence is required to ascertain the role of this particular variant rs1254732171 in MODY, yet.

Literature cited by the submitters: DOI 10.1159/000334532; PubMed 18268044; PubMed 17563455; PubMed 32583173; PubMed 35052457; PubMed 35118593.